The following is an entry in ClinVar:

NC_000017.10:g.(29687722_29701030)_(29704696_?)dup

Gene: NF1 (neurofibromin 1; plus strand). Cytogenetic location: 17q11.2.
Variant type: Duplication.
Identifiers: ClinVar variation 1192231 (VCV001192231.2).

ClinVar aggregate classification (germline): Uncertain significance (1 of 4 stars; one submission).

Submission:

Women's Health and Genetics/Laboratory Corporation of America, LabCorp
Classification: Uncertain significance. Last evaluated: 2024-05-02. Review status: criteria provided, single submitter. Criteria: LabCorp Variant Classification Summary - May 2015. Collection method: clinical testing. Allele origin: germline.
Comment: Variant summary: The variant involves the duplication of exon 57 in the NF1 gene. The exact breakpoint at the 3' end of this variant is unknown, therefore this duplication may extend downstream of the annotated region of the gene. As it duplicates the termination codon, its effect on the encoded protein is unknown. A presumed nomenclature of c.(8314+1_8315-1)_(*3523_?)dup has been designated for the purposes of this classification. The variant allele was found at a frequency of 4.6e-05 in 21692 control chromosomes (gnomAD). The available data on variant occurrences in the general population are insufficient to allow any conclusion about variant significance. To our knowledge, no occurrence of c.(8314+1_8315-1)_(*3523_?)dup in individuals affected with Neurofibromatosis Type 1 and no experimental evidence demonstrating its impact on protein function have been reported. ClinVar contains an entry for this variant (Variation ID: 832917). Based on the evidence outlined above, the variant was classified as uncertain significance.